The following is an entry in ClinVar:

ClinVar aggregate classification (germline): Conflicting classifications of pathogenicity. Review status: criteria provided, conflicting classifications (1 of 4 stars). 3 submissions from 2 submitters: Uncertain significance (1); Likely benign (2). Last evaluated 2023-12-09.

Conditions:
Freeman-Sheldon syndrome (DA2A). Also called: CRANIOCARPOTARSAL DYSPLASIA; CRANIOCARPOTARSAL DYSTROPHY; WHISTLING FACE-WINDMILL VANE HAND SYNDROME; Arthrogryposis, distal, type 2A (Freeman-Sheldon). Identifiers: Orphanet 2053, MedGen C0265224, MONDO:0008675, OMIM 193700.
Distal arthrogryposis type 2B1 (DA2B1). Also called: Arthrogryposis multiplex congenita distal type II with craniofacial abnormalities. Identifiers: Orphanet 1147, MedGen C5193014, MONDO:0020820, OMIM 601680.

Allele frequency attached by ClinVar (database versions not stated): TOPMed 0.00003; ExAC 0.00004; gnomAD exomes 0.00005.
gnomAD v4.1: 31 of 1,614,030 alleles (0.0019%); highest among the groups gnomAD compares: East Asian, 0.013%; no homozygotes.

Submissions (3):

Labcorp Genetics (formerly Invitae), Labcorp
Classification: Likely benign. Last evaluated: 2023-12-09. Review status: criteria provided, single submitter. Criteria: Invitae Variant Classification Sherloc (09022015). Collection method: clinical testing. Allele origin: germline.

Illumina Laboratory Services, Illumina
Classification: Uncertain significance for Distal arthrogryposis type 2B1. Last evaluated: 2018-01-13. Review status: criteria provided, single submitter. Criteria: ICSL Variant Classification Criteria 13 December 2019. Collection method: clinical testing. Allele origin: germline.

Illumina Laboratory Services, Illumina
Classification: Likely benign for Freeman-Sheldon syndrome. Last evaluated: 2018-01-13. Review status: criteria provided, single submitter. Criteria: ICSL Variant Classification Criteria 13 December 2019. Collection method: clinical testing. Allele origin: germline.
Comment: This variant was observed in the ICSL laboratory as part of a predisposition screen in an ostensibly healthy population. It had not been previously curated by ICSL or reported in the Human Gene Mutation Database (HGMD: prior to June 1st, 2018), and was therefore a candidate for classification through an automated scoring system. Utilizing variant allele frequency, disease prevalence and penetrance estimates, and inheritance mode, an automated score was calculated to assess if this variant is too frequent to cause the disease. Based on the score and internal cut-off values, a variant classified as likely benign is not then subjected to further curation. The score for this variant resulted in a classification of likely benign for this disease.

NM_002470.4(MYH3):c.5253C>T (p.Asn1751=)

Gene: MYH3 (myosin heavy chain 3; minus strand). Cytogenetic location: 17p13.1.
Variant type: single nucleotide variant.
Coding change: c.5253C>T on transcript NM_002470.4 (MANE Select); coding-DNA position 5253, C replaced by T.
Protein change: p.Asn1751=; no amino-acid change (asparagine 1751 retained).
Molecular consequence: synonymous variant.
Genome position (GRCh38, 1-based): chr17:10,631,644, G>A on the plus strand (C>T on the coding strand, the complement: MYH3 is on the minus strand). VCF-style: chr17-10631644-G-A. GRCh37 (hg19) VCF-style: chr17-10534961-G-A.
Identifiers: ClinVar variation 886856 (VCV000886856.8), dbSNP rs751137584, ClinGen allele CA8392004.